The following is an entry in ClinVar:

NM_001393769.1(MED12L):c.5511A>C (p.Gln1837His)

Gene: MED12L (mediator complex subunit 12L; plus strand). Cytogenetic location: 3q25.1.
Variant type: single nucleotide variant.
Coding change: c.5511A>C on transcript NM_001393769.1 (MANE Select); coding-DNA position 5511, A replaced by C.
Protein change: p.Gln1837His; replaces glutamine 1837 with histidine.
Molecular consequence: missense variant.
Genome position (GRCh38, 1-based): chr3:151,390,038, A>C. VCF-style: chr3-151390038-A-C. GRCh37 (hg19) VCF-style: chr3-151107826-A-C.
Other names: c.5406A>C, p.Gln1802His (NM_053002.6); c.5406A>C (NM_053002.4); short protein forms Q1802H, Q1837H.
Identifiers: ClinVar variation 2637202 (VCV002637202.2), dbSNP rs1713987552, ClinGen allele CA354978075.

ClinVar aggregate classification (germline): Uncertain significance. Review status: criteria provided, multiple submitters, no conflicts (2 of 4 stars). 2 submissions from 2 submitters: Uncertain significance (2). Last evaluated 2025-02-19.

Conditions:
MED12L-related disorder. Also called: MED12L-related condition.
Inborn genetic diseases. Identifiers: MedGen C0950123, MeSH D030342.

Allele frequency attached by ClinVar (database versions not stated): TOPMed below 0.00001; gnomAD exomes 0.00002.
gnomAD v4.1: 24 of 1,614,082 alleles (0.0015%); highest among the groups gnomAD compares: Non-Finnish European, 0.0019%; no homozygotes.

Submissions (2):

Ambry Genetics
Classification: Uncertain significance for Inborn genetic diseases. Last evaluated: 2025-02-19. Review status: criteria provided, single submitter. Criteria: Ambry Variant Classification Scheme 2023. Collection method: clinical testing. Allele origin: germline.

PreventionGenetics, part of Exact Sciences
Classification: Uncertain significance for MED12L-related condition. Last evaluated: 2022-09-20. Review status: criteria provided, single submitter. Criteria: ACMG Guidelines, 2015. Collection method: clinical testing. Allele origin: germline.
Comment: The MED12L c.5406A>C variant is predicted to result in the amino acid substitution p.Gln1802His. To our knowledge, this variant has not been reported in the literature or in a large population database, indicating this variant is rare. At this time, the clinical significance of this variant is uncertain due to the absence of conclusive functional and genetic evidence.